The following is an entry in ClinVar:

ClinVar aggregate classification (germline): Pathogenic (1 of 4 stars; one submission).

Conditions:
Griscelli syndrome type 2 (GS2). Also called: PAID SYNDROME; PARTIAL ALBINISM AND IMMUNODEFICIENCY SYNDROME; GRISCELLI SYNDROME WITH HEMOPHAGOCYTIC SYNDROME. Identifiers: Orphanet 381, Orphanet 79477, MedGen C1868679, MONDO:0011872, OMIM 607624.

Submission:

Labcorp Genetics (formerly Invitae), Labcorp
Classification: Pathogenic for Griscelli syndrome type 2. Last evaluated: 2025-12-24. Review status: criteria provided, single submitter. Criteria: Invitae Variant Classification Sherloc (09022015). Collection method: clinical testing. Allele origin: germline.
Comment: This sequence change creates a premature translational stop signal (p.Ala148Hisfs*13) in the RAB27A gene. While this is not anticipated to result in nonsense mediated decay, it is expected to disrupt the last 74 amino acid(s) of the RAB27A protein. This variant is not present in population databases (gnomAD no frequency). This variant has not been reported in the literature in individuals affected with RAB27A-related conditions. This variant disrupts a region of the RAB27A protein in which other variant(s) (p.Arg184*) have been determined to be pathogenic (PMID: 10835631, 15475639, 18397837, 19030707, 19953648, 25071262, 25500851). This suggests that this is a clinically significant region of the protein, and that variants that disrupt it are likely to be disease-causing. For these reasons, this variant has been classified as Pathogenic.

Literature cited by the submitters: PubMed 10835631; PubMed 15475639; PubMed 18397837; PubMed 19030707; PubMed 19953648; PubMed 25071262; PubMed 25500851.

NM_183235.3(RAB27A):c.442_443del (p.Ala148fs)

Gene: RAB27A (RAB27A, member RAS oncogene family; minus strand). Cytogenetic location: 15q21.3.
Variant type: Deletion.
Coding change: c.442_443del on transcript NM_183235.3 (MANE Select); coding-DNA positions 442 to 443, 2 bases deleted (GC; older notation c.442_443delGC).
Protein change: p.Ala148fs; shifts the reading frame from alanine 148.
Molecular consequence: frameshift variant.
Genome position (GRCh38, 1-based): chr15:55,223,913-55,223,914, GC deleted on the plus strand (GC on the coding strand, the reverse complement: RAB27A is on the minus strand). VCF-style (leftmost placement, unchanged base first): chr15-55223912-GGC-G. GRCh37 (hg19) VCF-style: chr15-55516110-GGC-G.
Other names: c.442_443del, p.Ala148fs (NM_001438970.1, NM_001438972.1, NM_001438973.1 and 11 more transcripts); short protein forms A148fs.
Identifiers: ClinVar variation 4729175 (VCV004729175.1).